The following is an entry in ClinVar:

NM_001184880.2(PCDH19):c.1225G>C (p.Gly409Arg)

Gene: PCDH19 (protocadherin 19; minus strand). Cytogenetic location: Xq22.1.
Variant type: single nucleotide variant.
Coding change: c.1225G>C on transcript NM_001184880.2 (MANE Select); coding-DNA position 1225, G replaced by C.
Protein change: p.Gly409Arg; replaces glycine 409 with arginine.
Molecular consequence: missense variant.
Genome position (GRCh38, 1-based): chrX:100,407,373, C>G on the plus strand (G>C on the coding strand, the complement: PCDH19 is on the minus strand). VCF-style: chrX-100407373-C-G. GRCh37 (hg19) VCF-style: chrX-99662371-C-G.
Other names: c.1225G>C, p.Gly409Arg (NM_001105243.2, NM_020766.3); short protein forms G409R.
Identifiers: ClinVar variation 1030145 (VCV001030145.9), dbSNP rs1928402131, ClinGen allele CA414003573.

ClinVar aggregate classification (germline): Uncertain significance. Review status: criteria provided, multiple submitters, no conflicts (2 of 4 stars). 2 submissions from 2 submitters: Uncertain significance (2). Last evaluated 2021-09-06.

Conditions:
Developmental and epileptic encephalopathy, 9 (DEE9). Also called: Early infantile epileptic encephalopathy 9; PCDH19-Related X-Linked Female-Limited Epilepsy with Mental Retardation; EPILEPSY, FEMALE-RESTRICTED, WITH MENTAL RETARDATION; JUBERG-HELLMAN SYNDROME. Identifiers: Orphanet 101039, Orphanet 2076, MedGen C1848137, MONDO:0010246, OMIM 300088. Disease mechanism: loss of function.

Submissions (2):

Labcorp Genetics (formerly Invitae), Labcorp
Classification: Uncertain significance for Developmental and epileptic encephalopathy, 9. Last evaluated: 2021-09-06. Review status: criteria provided, single submitter. Criteria: Invitae Variant Classification Sherloc (09022015). Collection method: clinical testing. Allele origin: germline.
Comment: ClinVar contains an entry for this variant (Variation ID: 1030145). Algorithms developed to predict the effect of missense changes on protein structure and function (SIFT, PolyPhen-2, Align-GVGD) all suggest that this variant is likely to be disruptive. In summary, the available evidence is currently insufficient to determine the role of this variant in disease. Therefore, it has been classified as a Variant of Uncertain Significance. This variant has not been reported in the literature in individuals affected with PCDH19-related conditions. This sequence change replaces glycine with arginine at codon 409 of the PCDH19 protein (p.Gly409Arg). The glycine residue is highly conserved and there is a moderate physicochemical difference between glycine and arginine. This variant is not present in population databases (ExAC no frequency).

Baylor Genetics
Classification: Uncertain significance for Developmental and epileptic encephalopathy, 9. Last evaluated: 2020-04-23. Review status: criteria provided, single submitter. Criteria: ACMG Guidelines, 2015. Collection method: clinical testing. Allele origin: unknown. Affected: yes.
Comment: This variant was determined to be of uncertain significance according to ACMG Guidelines, 2015 [PMID:25741868].